The following is an entry in ClinVar:

NM_177438.3(DICER1):c.3472A>T (p.Ser1158Cys)

Gene: DICER1 (dicer 1, ribonuclease III; minus strand). Cytogenetic location: 14q32.13.
Variant type: single nucleotide variant.
Coding change: c.3472A>T on transcript NM_177438.3 (MANE Select); coding-DNA position 3472, A replaced by T.
Protein change: p.Ser1158Cys; replaces serine 1158 with cysteine.
Molecular consequence: missense variant.
Genome position (GRCh38, 1-based): chr14:95,103,924, T>A on the plus strand (A>T on the coding strand, the complement: DICER1 is on the minus strand). VCF-style: chr14-95103924-T-A. GRCh37 (hg19) VCF-style: chr14-95570261-T-A.
Other names: c.3472A>T, p.Ser1158Cys (NM_001195573.1, NM_001271282.3, NM_001291628.2 and 1 more transcripts); short protein forms S1158C.
Identifiers: ClinVar variation 543563 (VCV000543563.12), dbSNP rs949633145, ClinGen allele CA265906193.

ClinVar aggregate classification (germline): Uncertain significance. Review status: criteria provided, multiple submitters, no conflicts (2 of 4 stars). 2 submissions from 2 submitters: Uncertain significance (2). Last evaluated 2025-07-06.

Conditions:
DICER1-related tumor predisposition. Also called: DICER1-related pleuropulmonary blastoma cancer predisposition syndrome; DICER1 syndrome. Identifiers: Orphanet 284343, MedGen C3839822, MONDO:0100216.
Hereditary cancer-predisposing syndrome. Also called: Neoplastic Syndromes, Hereditary; Tumor predisposition; Hereditary Cancer Syndrome; Hereditary neoplastic syndrome. Identifiers: Orphanet 140162, MedGen C0027672, MeSH D009386, MONDO:0015356.

Allele frequency attached by ClinVar (database versions not stated): gnomAD exomes below 0.00001; gnomAD 0.00001; TOPMed 0.00001.
gnomAD v4.1: 2 of 1,614,098 alleles (0.00012%); highest among the groups gnomAD compares: Admixed American, 0.0017%; no homozygotes.

Submissions (2):

Labcorp Genetics (formerly Invitae), Labcorp
Classification: Uncertain significance for DICER1-related tumor predisposition. Last evaluated: 2025-07-06. Review status: criteria provided, single submitter. Criteria: Invitae Variant Classification Sherloc (09022015). Collection method: clinical testing. Allele origin: germline.
Comment: This sequence change replaces serine, which is neutral and polar, with cysteine, which is neutral and slightly polar, at codon 1158 of the DICER1 protein (p.Ser1158Cys). This variant is present in population databases (no rsID available, gnomAD 0.1%). This variant has not been reported in the literature in individuals affected with DICER1-related conditions. ClinVar contains an entry for this variant (Variation ID: 543563). Invitae Evidence Modeling of protein sequence and biophysical properties (such as structural, functional, and spatial information, amino acid conservation, physicochemical variation, residue mobility, and thermodynamic stability) indicates that this missense variant is not expected to disrupt DICER1 protein function with a negative predictive value of 95%. In summary, the available evidence is currently insufficient to determine the role of this variant in disease. Therefore, it has been classified as a Variant of Uncertain Significance.

Ambry Genetics
Classification: Uncertain significance for Hereditary cancer-predisposing syndrome. Last evaluated: 2023-11-02. Review status: criteria provided, single submitter. Criteria: Ambry Variant Classification Scheme 2023. Collection method: clinical testing. Allele origin: germline.
Comment: The p.S1158C variant (also known as c.3472A>T), located in coding exon 20 of the DICER1 gene, results from an A to T substitution at nucleotide position 3472. The serine at codon 1158 is replaced by cysteine, an amino acid with dissimilar properties. This amino acid position is not well conserved in available vertebrate species. In addition, this alteration is predicted to be tolerated by in silico analysis. Since supporting evidence is limited at this time, the clinical significance of this alteration remains unclear.